The following is an entry in ClinVar:

NM_000257.4(MYH7):c.2711G>T (p.Arg904Leu)

Gene: MYH7 (myosin heavy chain 7; minus strand). Cytogenetic location: 14q11.2.
Variant type: single nucleotide variant.
Coding change: c.2711G>T on transcript NM_000257.4 (MANE Select); coding-DNA position 2711, G replaced by T.
Protein change: p.Arg904Leu; replaces arginine 904 with leucine.
Molecular consequence: missense variant.
Genome position (GRCh38, 1-based): chr14:23,424,118, C>A on the plus strand (G>T on the coding strand, the complement: MYH7 is on the minus strand). VCF-style: chr14-23424118-C-A. GRCh37 (hg19) VCF-style: chr14-23893327-C-A.
Other names: short protein forms R904L.
Identifiers: ClinVar variation 1329406 (VCV001329406.4), dbSNP rs397516165, ClinGen allele CA389047305.
Genomic context (GRCh38, chr14:23,424,118, plus strand): 5'-TCGTTCATCTCCTTCACCTTGGCCTCCAGCTGAATCTTGTTTTTGATCAGCTGATCACAG[C>A]GCTCCTCAGCATCTGCCAGGTTGTCTTGTTCCTGAAGGTGAGGAACAGAGGGGAGGCTGT-3'
Protein context (NP_000248.2, residues 894-914): EQDNLADAEE[Arg904Leu]CDQLIKNKIQ

ClinVar aggregate classification (germline): Likely pathogenic. Review status: criteria provided, multiple submitters, no conflicts (2 of 4 stars). 2 submissions from 2 submitters: Likely pathogenic (2). Last evaluated 2025-01-23.

Conditions:
Hypertrophic cardiomyopathy. Also called: HYPERTROPHIC MYOCARDIOPATHY. Identifiers: Orphanet 217569, MedGen C0007194, MeSH D002312, MONDO:0005045, HP:0001639.
Cardiomyopathy (CMYO). Also called: Cardiomyopathies. Identifiers: Orphanet 167848, MedGen C0878544, MONDO:0004994, HP:0001638. Inheritance: Various modes of inheritance.

Submissions (2):

Labcorp Genetics (formerly Invitae), Labcorp
Classification: Likely pathogenic for Hypertrophic cardiomyopathy. Last evaluated: 2025-01-23. Review status: criteria provided, single submitter. Criteria: Invitae Variant Classification Sherloc (09022015). Collection method: clinical testing. Allele origin: germline.
Comment: This sequence change replaces arginine, which is basic and polar, with leucine, which is neutral and non-polar, at codon 904 of the MYH7 protein (p.Arg904Leu). This variant is not present in population databases (gnomAD no frequency). This missense change has been observed in individual(s) with autosomal dominant dilated cardiomyopathy (internal data). ClinVar contains an entry for this variant (Variation ID: 1329406). Invitae Evidence Modeling of protein sequence and biophysical properties (such as structural, functional, and spatial information, amino acid conservation, physicochemical variation, residue mobility, and thermodynamic stability) indicates that this missense variant is expected to disrupt MYH7 protein function with a positive predictive value of 95%. This variant disrupts the p.Arg904 amino acid residue in MYH7. Other variant(s) that disrupt this residue have been determined to be pathogenic (PMID: 21750094, 22464770, 25448463; internal data). This suggests that this residue is clinically significant, and that variants that disrupt this residue are likely to be disease-causing. In summary, the currently available evidence indicates that the variant is pathogenic, but additional data are needed to prove that conclusively. Therefore, this variant has been classified as Likely Pathogenic.

CHEO Genetics Diagnostic Laboratory, Children's Hospital of Eastern Ontario
Classification: Likely pathogenic for Cardiomyopathy. Last evaluated: 2020-04-02. Review status: criteria provided, single submitter. Criteria: ACMG Guidelines, 2015. Collection method: clinical testing. Allele origin: germline.

Literature cited by the submitters: PubMed 21750094 (cited by Labcorp Genetics (formerly Invitae), Labcorp); PubMed 22464770 (cited by Labcorp Genetics (formerly Invitae), Labcorp); PubMed 25448463 (cited by Labcorp Genetics (formerly Invitae), Labcorp).